The following is an entry in ClinVar:

ClinVar aggregate classification (germline): Pathogenic. Review status: no assertion criteria provided (0 of 4 stars). 2 submissions from 2 submitters: Pathogenic (1). 1 of the submissions does not count toward it. Last evaluated 2013-07-11.

Conditions:
Estrogen resistance syndrome. Also called: Estrogen resistance; ESTROGEN INSENSITIVITY. Identifiers: Orphanet 785, MedGen C3809250, MONDO:0014148, OMIM 615363.

Submissions (2):

OMIM
Classification: Pathogenic for ESTROGEN RESISTANCE. Last evaluated: 2013-07-11. Review status: no assertion criteria provided. Collection method: literature only. Allele origin: germline.

ClinVar Staff, National Center for Biotechnology Information (NCBI)
No classification provided. Review status: no classification provided. Collection method: not provided. Allele origin: germline. Not counted in ClinVar's aggregate classification.

Literature cited by the submitters: PubMed 23841731 (cited by OMIM).

NM_000125.4(ESR1):c.1125G>T (p.Gln375His)

Gene: ESR1 (estrogen receptor 1; plus strand). Cytogenetic location: 6q25.1.
Variant type: single nucleotide variant.
Coding change: c.1125G>T on transcript NM_000125.4 (MANE Select); coding-DNA position 1125, G replaced by T.
Protein change: p.Gln375His; replaces glutamine 375 with histidine.
Molecular consequence: missense variant.
Genome position (GRCh38, 1-based): chr6:152,011,684, G>T. VCF-style: chr6-152011684-G-T. GRCh37 (hg19) VCF-style: chr6-152332819-G-T.
Other names: c.1125G>T, p.Gln375His (NM_001122740.2, NM_001122741.2, NM_001122742.2 and 5 more transcripts); c.1131G>T, p.Gln377His (NM_001291230.2); c.1122G>T, p.Gln374His (NM_001291241.2); c.606G>T, p.Gln202His (NM_001328100.2); short protein forms Q375H, Q202H, Q374H, Q377H.
Identifiers: ClinVar variation 60557 (VCV000060557.2), dbSNP rs397509428, ClinGen allele CA144575.